The following is an entry in ClinVar:

NM_024529.5(CDC73):c.1276A>G (p.Arg426Gly)

Gene: CDC73 (cell division cycle 73; plus strand). Cytogenetic location: 1q31.2.
Variant type: single nucleotide variant.
Coding change: c.1276A>G on transcript NM_024529.5 (MANE Select); coding-DNA position 1276, A replaced by G.
Protein change: p.Arg426Gly; replaces arginine 426 with glycine.
Molecular consequence: missense variant.
Genome position (GRCh38, 1-based): chr1:193,233,114, A>G. VCF-style: chr1-193233114-A-G. GRCh37 (hg19) VCF-style: chr1-193202244-A-G.
Other names: c.1276A>G (NM_024529.4); short protein forms R426G.
Identifiers: ClinVar variation 1466987 (VCV001466987.9), dbSNP rs2102058411, ClinGen allele CA344077984.

ClinVar aggregate classification (germline): Uncertain significance. Review status: criteria provided, multiple submitters, no conflicts (2 of 4 stars). 2 submissions from 2 submitters: Uncertain significance (2). Last evaluated 2023-11-30.

Conditions:
Parathyroid carcinoma (PRTC). Also called: CDC73-Related Parathyroid Carcinoma; Parathyroid gland carcinoma. Identifiers: Orphanet 143, MedGen C0687150, MONDO:0012004, OMIM 608266, HP:0006780.
Hereditary cancer-predisposing syndrome. Also called: Tumor predisposition; Hereditary Cancer Syndrome; Hereditary neoplastic syndrome; Neoplastic Syndromes, Hereditary. Identifiers: Orphanet 140162, MedGen C0027672, MeSH D009386, MONDO:0015356.

Submissions (2):

Ambry Genetics
Classification: Uncertain significance for Hereditary cancer-predisposing syndrome. Last evaluated: 2023-11-30. Review status: criteria provided, single submitter. Criteria: Ambry Variant Classification Scheme 2023. Collection method: clinical testing. Allele origin: germline.
Comment: The p.R426G variant (also known as c.1276A>G), located in coding exon 14 of the CDC73 gene, results from an A to G substitution at nucleotide position 1276. The arginine at codon 426 is replaced by glycine, an amino acid with dissimilar properties. This amino acid position is conserved. In addition, this alteration is predicted to be deleterious by in silico analysis. Since supporting evidence is limited at this time, the clinical significance of this alteration remains unclear.

Labcorp Genetics (formerly Invitae), Labcorp
Classification: Uncertain significance for Parathyroid carcinoma. Last evaluated: 2021-04-14. Review status: criteria provided, single submitter. Criteria: Invitae Variant Classification Sherloc (09022015). Collection method: clinical testing. Allele origin: germline.
Comment: In summary, the available evidence is currently insufficient to determine the role of this variant in disease. Therefore, it has been classified as a Variant of Uncertain Significance. Algorithms developed to predict the effect of missense changes on protein structure and function are either unavailable or do not agree on the potential impact of this missense change (SIFT: "Tolerated"; PolyPhen-2: "Probably Damaging"; Align-GVGD: "Class C0"). This variant has not been reported in the literature in individuals with CDC73-related conditions. This variant is not present in population databases (ExAC no frequency). This sequence change replaces arginine with glycine at codon 426 of the CDC73 protein (p.Arg426Gly). The arginine residue is highly conserved and there is a moderate physicochemical difference between arginine and glycine.